The following is an entry in ClinVar:

ClinVar aggregate classification (germline): Uncertain significance (1 of 4 stars; one submission).

Submission:

Labcorp Genetics (formerly Invitae), Labcorp
Classification: Uncertain significance. Last evaluated: 2022-06-20. Review status: criteria provided, single submitter. Criteria: Invitae Variant Classification Sherloc (09022015). Collection method: clinical testing. Allele origin: germline.
Comment: This sequence change replaces asparagine, which is neutral and polar, with lysine, which is basic and polar, at codon 216 of the LPIN1 protein (p.Asn216Lys). This variant is not present in population databases (gnomAD no frequency). In summary, the available evidence is currently insufficient to determine the role of this variant in disease. Therefore, it has been classified as a Variant of Uncertain Significance. Algorithms developed to predict the effect of missense changes on protein structure and function output the following: SIFT: "Tolerated"; PolyPhen-2: "Benign"; Align-GVGD: "Class C0". The lysine amino acid residue is found in multiple mammalian species, which suggests that this missense change does not adversely affect protein function. This variant has not been reported in the literature in individuals affected with LPIN1-related conditions.

NM_001349206.2(LPIN1):c.648C>A (p.Asn216Lys)

Gene: LPIN1 (lipin 1; plus strand). Cytogenetic location: 2p25.1.
Variant type: single nucleotide variant.
Coding change: c.648C>A on transcript NM_001349206.2 (MANE Select); coding-DNA position 648, C replaced by A.
Protein change: p.Asn216Lys; replaces asparagine 216 with lysine.
Molecular consequence: missense variant. On other transcripts: non-coding transcript variant (1).
Genome position (GRCh38, 1-based): chr2:11,773,671, C>A. VCF-style: chr2-11773671-C-A. GRCh37 (hg19) VCF-style: chr2-11913797-C-A.
Other names: c.666C>A, p.Asn222Lys (NM_001261427.3); c.795C>A, p.Asn265Lys (NM_001261428.3, NM_001349208.2); c.648C>A, p.Asn216Lys (NM_001349199.2, NM_001349200.2, NM_001349201.2 and 5 more transcripts); c.738C>A, p.Asn246Lys (NM_001349207.2); short protein forms N216K, N265K, N222K, N246K.
Identifiers: ClinVar variation 2007895 (VCV002007895.4), dbSNP rs2546098593, ClinGen allele CA345854172.
Genomic context (GRCh38, chr2:11,773,671, plus strand): 5'-TTCCTCCAGAACTCTTCCTAATGATATACCTCCATTCCAAGATGATATTCCTGAGGAAAA[C>A]CTCTCCCTGGCTGTGATTTACCCTCAGTCAGCCTCATACCCTAATTCGGATAGAGAGTGG-3'
Protein context (NP_001336135.1, residues 206-226): PPFQDDIPEE[Asn216Lys]LSLAVIYPQS